The following is an entry in ClinVar:

ClinVar aggregate classification (germline): Uncertain significance. Review status: criteria provided, multiple submitters, no conflicts (2 of 4 stars). 4 submissions from 4 submitters: Uncertain significance (4). Last evaluated 2025-09-22.

Conditions:
Long QT syndrome 2 (LQT2). Identifiers: Orphanet 101016, Orphanet 768, MedGen C3150943, MONDO:0013367, OMIM 613688.
Short QT syndrome type 1. Identifiers: Orphanet 51083, MedGen C1865020, MONDO:0012312, OMIM 609620.
Long QT syndrome (LQTS). Identifiers: MedGen C0023976, MeSH D008133, MONDO:0002442. Disease mechanism: loss of function. Inheritance: Various modes of inheritance.
Cardiovascular phenotype. Identifiers: MedGen CN230736.

Submissions (4):

Labcorp Genetics (formerly Invitae), Labcorp
Classification: Uncertain significance for Long QT syndrome. Last evaluated: 2025-09-22. Review status: criteria provided, single submitter. Criteria: Invitae Variant Classification Sherloc (09022015). Collection method: clinical testing. Allele origin: germline.
Comment: This sequence change replaces serine, which is neutral and polar, with isoleucine, which is neutral and non-polar, at codon 206 of the KCNH2 protein (p.Ser206Ile). Information on the frequency of this variant in the gnomAD database is not available, as this variant may be reported differently in the database. This variant has not been reported in the literature in individuals affected with KCNH2-related conditions. ClinVar contains an entry for this variant (Variation ID: 405339). An algorithm developed to predict the effect of missense changes on protein structure and function (PolyPhen-2) suggests that this variant is likely to be tolerated. In summary, the available evidence is currently insufficient to determine the role of this variant in disease. Therefore, it has been classified as a Variant of Uncertain Significance.

Ambry Genetics
Classification: Uncertain significance for Cardiovascular phenotype. Last evaluated: 2023-04-27. Review status: criteria provided, single submitter. Criteria: Ambry Variant Classification Scheme 2023. Collection method: clinical testing. Allele origin: germline.
Comment: The c.617_618delGCinsTT variant (also known as p.S206I), located in coding exon 4 of the KCNH2 gene, results from an in-frame deletion of GC and insertion of TT at nucleotide positions 617 to 618. This results in the substitution of the serine residue for an isoleucine residue at codon 206, an amino acid with dissimilar properties. This amino acid position is well conserved in available vertebrate species. In addition, this alteration is predicted to be neutral by in silico analysis (Choi Y et al. PLoS ONE. 2012; 7(10):e46688). Since supporting evidence is limited at this time, the clinical significance of this alteration remains unclear.

Fulgent Genetics
Classification: Uncertain significance for Short QT syndrome type 1; Long QT syndrome 2. Last evaluated: 2021-10-20. Review status: criteria provided, single submitter. Criteria: ACMG Guidelines, 2015. Collection method: clinical testing. Allele origin: unknown.

GeneDx
Classification: Uncertain significance. Last evaluated: 2018-03-05. Review status: criteria provided, single submitter. Criteria: GeneDx Variant Classification (06012015). Collection method: clinical testing. Allele origin: germline. Affected: yes.
Comment: A variant of uncertain significance has been identified in the KCNH2 gene. The c.617_618delGCinsTT variant has not been published as pathogenic or been reported as benign to our knowledge. This variant is also not observed in large population cohorts (Lek et al., 2016). The c.617_618delGCinsTT variant results in the deletion of two base pairs, and insertion of two different base pairs, which leads to the replacement of a serine (S) residue with an isoleucine (I) residue at codon position 206, denoted S206I. The S206I variant is a non-conservative amino acid substitution, which is likely to impact secondary protein structure as these residues differ in polarity, charge, size and/or other properties. Nevertheless, in-silico analyses, including protein predictors and evolutionary conservation, support that this variant does not alter protein structure/function.

Literature cited by the submitters: PubMed 31696929 (cited by Ambry Genetics).

NM_000238.4(KCNH2):c.617_618delinsTT (p.Ser206Ile)

Gene: KCNH2 (potassium voltage-gated channel subfamily H member 2; minus strand). Cytogenetic location: 7q36.1.
Variant type: Indel.
Coding change: c.617_618delinsTT on transcript NM_000238.4 (MANE Select); coding-DNA positions 617 to 618, GC replaced by TT.
Protein change: p.Ser206Ile; replaces serine 206 with isoleucine.
Molecular consequence: missense variant.
Genome position (GRCh38, 1-based): chr7:150,958,357-150,958,358, GC replaced by AA on the plus strand (GC replaced by TT on the coding strand, the reverse complement: KCNH2 is on the minus strand). VCF-style: chr7-150958357-GC-AA. GRCh37 (hg19) VCF-style: chr7-150655445-GC-AA.
Other names: c.329_330delGCinsTT, p.Ser110Ile (NM_001406756.1, NM_001406753.1); c.317_318delGCinsTT, p.Ser106Ile (NM_001406757.1); c.617_618delGCinsTT, p.Ser206Ile (NM_172056.3, NM_000238.3); c.440_441delGCinsTT, p.Ser147Ile (NM_001406755.1); short protein forms S206I, S106I, S147I, S110I.
Identifiers: ClinVar variation 405339 (VCV000405339.11), dbSNP rs1060500660, ClinGen allele CA16612050.